The following is an entry in ClinVar:

NM_006642.5(SDCCAG8):c.1643G>C (p.Ser548Thr)

Gene: SDCCAG8 (SHH signaling and ciliogenesis regulator SDCCAG8; plus strand). Cytogenetic location: 1q43.
Variant type: single nucleotide variant.
Coding change: c.1643G>C on transcript NM_006642.5 (MANE Select); coding-DNA position 1643, G replaced by C.
Protein change: p.Ser548Thr; replaces serine 548 with threonine.
Molecular consequence: missense variant.
Genome position (GRCh38, 1-based): chr1:243,415,728, G>C. VCF-style: chr1-243415728-G-C. GRCh37 (hg19) VCF-style: chr1-243579030-G-C.
Other names: c.1643G>C (NM_006642.3); c.740G>C, p.Ser247Thr (NM_001350246.2, NM_001350247.2, NM_001350251.2); c.1739G>C, p.Ser580Thr (NM_001350248.2); c.1349G>C, p.Ser450Thr (NM_001350249.2); short protein forms S548T, S450T, S580T, S247T.
Identifiers: ClinVar variation 1428312 (VCV001428312.7), dbSNP rs775898129, ClinGen allele CA1483702.

ClinVar aggregate classification (germline): Uncertain significance. Review status: criteria provided, multiple submitters, no conflicts (2 of 4 stars). 3 submissions from 3 submitters: Uncertain significance (3). Last evaluated 2023-07-27.

Conditions:
SDCCAG8-related disorder. Also called: SDCCAG8-related condition; SDCCAG8-Related Disorders.
Senior-Loken syndrome 7 (SLSN7). Identifiers: Orphanet 3156, MedGen C3150877, MONDO:0013326, OMIM 613615.
Bardet-Biedl syndrome 16 (BBS16). Identifiers: Orphanet 110, MedGen C3889474, MONDO:0014444, OMIM 615993.

Allele frequency attached by ClinVar (database versions not stated): TOPMed below 0.00001; ExAC 0.00001; gnomAD exomes 0.00001 and 0.00002; gnomAD 0.00002.
gnomAD v4.1: 14 of 1,613,666 alleles (0.00087%); highest among the groups gnomAD compares: Non-Finnish European, 0.0012%; no homozygotes.

Submissions (3):

PreventionGenetics, part of Exact Sciences
Classification: Uncertain significance for SDCCAG8-related condition. Last evaluated: 2023-07-27. Review status: criteria provided, single submitter. Criteria: ACMG Guidelines, 2015. Collection method: clinical testing. Allele origin: germline.
Comment: The SDCCAG8 c.1643G>C variant is predicted to result in the amino acid substitution p.Ser548Thr. To our knowledge, this variant has not been reported in the literature. This variant is reported in 0.0039% of alleles in individuals of European (Non-Finnish) descent in gnomAD. At this time, the clinical significance of this variant is uncertain due to the absence of conclusive functional and genetic evidence.

Labcorp Genetics (formerly Invitae), Labcorp
Classification: Uncertain significance for Bardet-Biedl syndrome 16; Senior-Loken syndrome 7. Last evaluated: 2021-12-01. Review status: criteria provided, single submitter. Criteria: Invitae Variant Classification Sherloc (09022015). Collection method: clinical testing. Allele origin: germline.
Comment: This sequence change replaces serine, which is neutral and polar, with threonine, which is neutral and polar, at codon 548 of the SDCCAG8 protein (p.Ser548Thr). This variant is present in population databases (rs775898129, gnomAD 0.004%). This variant has not been reported in the literature in individuals affected with SDCCAG8-related conditions. Algorithms developed to predict the effect of missense changes on protein structure and function are either unavailable or do not agree on the potential impact of this missense change (SIFT: "Tolerated"; PolyPhen-2: "Possibly Damaging"; Align-GVGD: "Class C0"). In summary, the available evidence is currently insufficient to determine the role of this variant in disease. Therefore, it has been classified as a Variant of Uncertain Significance.

Fulgent Genetics
Classification: Uncertain significance for Senior-Loken syndrome 7; Bardet-Biedl syndrome 16. Last evaluated: 2021-08-18. Review status: criteria provided, single submitter. Criteria: ACMG Guidelines, 2015. Collection method: clinical testing. Allele origin: unknown.